The following is an entry in ClinVar:

NM_001080512.3(BICC1):c.2179C>G (p.Gln727Glu)

Gene: BICC1 (BicC family RNA binding protein 1; plus strand). Cytogenetic location: 10q21.1.
Variant type: single nucleotide variant.
Coding change: c.2179C>G on transcript NM_001080512.3 (MANE Select); coding-DNA position 2179, C replaced by G.
Protein change: p.Gln727Glu; replaces glutamine 727 with glutamic acid.
Molecular consequence: missense variant.
Genome position (GRCh38, 1-based): chr10:58,803,240, C>G. VCF-style: chr10-58803240-C-G. GRCh37 (hg19) VCF-style: chr10-60563000-C-G.
Other names: p.Gln727Glu; short protein forms Q727E.
Identifiers: ClinVar variation 2683104 (VCV002683104.1), dbSNP rs2492108201, ClinGen allele CA376977728.

ClinVar aggregate classification (germline): Uncertain significance (1 of 4 stars; one submission).

Submission:

Mayo Clinic Laboratories, Mayo Clinic
Classification: Uncertain significance. Last evaluated: 2022-10-20. Review status: criteria provided, single submitter. Criteria: ACMG Guidelines, 2015. Collection method: clinical testing. Allele origin: germline. Observed: 1 variant allele.
Comment: PM2_supporting